The following is an entry in ClinVar:

NM_018979.4(WNK1):c.2201A>G (p.Gln734Arg)

Gene: WNK1 (WNK lysine deficient protein kinase 1; plus strand). Cytogenetic location: 12p13.33.
Variant type: single nucleotide variant.
Coding change: c.2201A>G on transcript NM_018979.4 (MANE Select); coding-DNA position 2201, A replaced by G.
Protein change: p.Gln734Arg; replaces glutamine 734 with arginine.
Molecular consequence: missense variant.
Genome position (GRCh38, 1-based): chr12:871,326, A>G. VCF-style: chr12-871326-A-G. GRCh37 (hg19) VCF-style: chr12-980492-A-G.
Other names: c.3440A>G, p.Gln1147Arg (NM_001184985.2); c.2201A>G, p.Gln734Arg (NM_014823.3); c.3695A>G, p.Gln1232Arg (NM_213655.5); short protein forms Q1147R, Q1232R, Q734R.
Identifiers: ClinVar variation 1494689 (VCV001494689.8), dbSNP rs2154074420, ClinGen allele CA383342996.

ClinVar aggregate classification (germline): Uncertain significance (1 of 4 stars; one submission).

Conditions:
Neuropathy, hereditary sensory and autonomic, type 2A (HSAN2A). Also called: ACROOSTEOLYSIS, GIACCAI TYPE; ACROOSTEOLYSIS, NEUROGENIC; MORVAN DISEASE; NEUROPATHY, CONGENITAL SENSORY; NEUROPATHY, HEREDITARY SENSORY RADICULAR, AUTOSOMAL RECESSIVE; NEUROPATHY, HEREDITARY SENSORY, TYPE IIA. Identifiers: Orphanet 970, MedGen C2752089, MONDO:0024309, OMIM 201300.
Pseudohypoaldosteronism type 2C (PHA2C). Also called: Pseudohypoaldosteronism Type IIC. Identifiers: Orphanet 757, Orphanet 88940, MedGen C1840391, MONDO:0013778, OMIM 614492.

Submission:

Labcorp Genetics (formerly Invitae), Labcorp
Classification: Uncertain significance for Neuropathy, hereditary sensory and autonomic, type 2A; Pseudohypoaldosteronism type 2C. Last evaluated: 2022-08-23. Review status: criteria provided, single submitter. Criteria: Invitae Variant Classification Sherloc (09022015). Collection method: clinical testing. Allele origin: germline.
Comment: This sequence change replaces glutamine, which is neutral and polar, with arginine, which is basic and polar, at codon 1232 of the WNK1 protein (p.Gln1232Arg). In summary, the available evidence is currently insufficient to determine the role of this variant in disease. Therefore, it has been classified as a Variant of Uncertain Significance. Advanced modeling of protein sequence and biophysical properties (such as structural, functional, and spatial information, amino acid conservation, physicochemical variation, residue mobility, and thermodynamic stability) performed at Invitae indicates that this missense variant is not expected to disrupt WNK1 protein function. ClinVar contains an entry for this variant (Variation ID: 1494689). This variant has not been reported in the literature in individuals affected with WNK1-related conditions. This variant is not present in population databases (gnomAD no frequency).